The following is an entry in ClinVar:

NM_052947.4(ALPK2):c.824C>G (p.Pro275Arg)

Genes: ALPK2 (alpha kinase 2; minus strand), LOC114803473 (ALPK2 eExon liver enhancer; plus strand). Cytogenetic location: 18q21.31.
Variant type: single nucleotide variant.
Coding change: c.824C>G on transcript NM_052947.4 (MANE Select); coding-DNA position 824, C replaced by G.
Protein change: p.Pro275Arg; replaces proline 275 with arginine.
Molecular consequence: missense variant.
Genome position (GRCh38, 1-based): chr18:58,579,952, G>C on the plus strand (C>G on the coding strand, the complement: ALPK2 is on the minus strand). VCF-style: chr18-58579952-G-C. GRCh37 (hg19) VCF-style: chr18-56247184-G-C.
Other names: short protein forms P275R.
Identifiers: ClinVar variation 1762618 (VCV001762618.3), dbSNP rs780679646, ClinGen allele CA300927448.

ClinVar aggregate classification (germline): Uncertain significance (1 of 4 stars; one submission).

Submission:

Ambry Genetics
Classification: Uncertain significance. Last evaluated: 2024-06-21. Review status: criteria provided, single submitter. Criteria: Ambry Variant Classification Scheme 2023. Collection method: clinical testing. Allele origin: germline.
Comment: The p.P275R variant (also known as c.824C>G), located in coding exon 3 of the ALPK2 gene, results from a C to G substitution at nucleotide position 824. The proline at codon 275 is replaced by arginine, an amino acid with dissimilar properties. This amino acid position is conserved. In addition, this alteration is predicted to be tolerated by in silico analysis. Since supporting evidence is limited at this time, the clinical significance of this alteration remains unclear.